The following is an entry in ClinVar:

ClinVar aggregate classification (germline): Uncertain significance (1 of 4 stars; one submission).

Submission:

Labcorp Genetics (formerly Invitae), Labcorp
Classification: Uncertain significance. Last evaluated: 2025-09-09. Review status: criteria provided, single submitter. Criteria: Invitae Variant Classification Sherloc (09022015). Collection method: clinical testing. Allele origin: germline.
Comment: This sequence change replaces methionine, which is neutral and non-polar, with leucine, which is neutral and non-polar, at codon 1476 of the CDK13 protein (p.Met1476Leu). This variant is not present in population databases (gnomAD no frequency). This variant has not been reported in the literature in individuals affected with CDK13-related conditions. ClinVar contains an entry for this variant (Variation ID: 2116899). Invitae Evidence Modeling of protein sequence and biophysical properties (such as structural, functional, and spatial information, amino acid conservation, physicochemical variation, residue mobility, and thermodynamic stability) indicates that this missense variant is not expected to disrupt CDK13 protein function with a negative predictive value of 95%. In summary, the available evidence is currently insufficient to determine the role of this variant in disease. Therefore, it has been classified as a Variant of Uncertain Significance.

NM_003718.5(CDK13):c.4426A>C (p.Met1476Leu)

Gene: CDK13 (cyclin dependent kinase 13; plus strand). Cytogenetic location: 7p14.1.
Variant type: single nucleotide variant.
Coding change: c.4426A>C on transcript NM_003718.5 (MANE Select); coding-DNA position 4426, A replaced by C.
Protein change: p.Met1476Leu; replaces methionine 1476 with leucine.
Molecular consequence: missense variant.
Genome position (GRCh38, 1-based): chr7:40,094,867, A>C. VCF-style: chr7-40094867-A-C. GRCh37 (hg19) VCF-style: chr7-40134466-A-C.
Other names: c.4246A>C, p.Met1416Leu (NM_031267.4); short protein forms M1476L, M1416L.
Identifiers: ClinVar variation 2116899 (VCV002116899.4), dbSNP rs774253221, ClinGen allele CA367297160.